The following is an entry in ClinVar:

NM_001127644.2(GABRA1):c.*771C>T

Gene: GABRA1 (gamma-aminobutyric acid type A receptor subunit alpha1; plus strand). Cytogenetic location: 5q34.
Variant type: single nucleotide variant.
Coding change: c.*771C>T on transcript NM_001127644.2 (MANE Select); 771 bases downstream of the stop codon, C replaced by T.
Molecular consequence: 3 prime UTR variant.
Genome position (GRCh38, 1-based): chr5:161,898,193, C>T. VCF-style: chr5-161898193-C-T. GRCh37 (hg19) VCF-style: chr5-161325199-C-T.
Other names: c.*771C>T (NM_000806.5, NM_001127643.2, NM_001127645.2 and 1 more transcripts).
Identifiers: ClinVar variation 352609 (VCV000352609.33), dbSNP rs886060366, ClinGen allele CA10619908.
Genomic context (GRCh38, chr5:161,898,193, plus strand): 5'-TTCATCTGAGCTTTTACCACTAGACTCAAGGAAGAATAATTTTAACAGACATGTATACTC[C>T]ATAGAAACTAAACTAAAATAGTTTAAAAATATTCCCTTTTTCACCCTATTTTCAGATAGC-3'

ClinVar aggregate classification (germline): Conflicting classifications of pathogenicity. Review status: criteria provided, conflicting classifications (1 of 4 stars). 2 submissions from 2 submitters: Uncertain significance (1); Likely benign (1). Last evaluated 2023-01-01.

Conditions:
Epilepsy, idiopathic generalized, susceptibility to, 13. Also called: EPILEPSY, JUVENILE MYOCLONIC, SUSCEPTIBILITY TO, 5. Identifiers: Orphanet 307, Orphanet 64280, MedGen C4013473, MONDO:0012627, OMIM 611136.

Allele frequency attached by ClinVar (database versions not stated): gnomAD 0.00005 and 0.00007; TOPMed 0.00010; 1000 Genomes Project 30x 0.00016.

Submissions (2):

CeGaT Center for Human Genetics Tuebingen
Classification: Likely benign. Last evaluated: 2023-01-01. Review status: criteria provided, single submitter. Criteria: CeGaT Center For Human Genetics Tuebingen Variant Classification Criteria Version 2. Collection method: clinical testing. Allele origin: germline. Affected: yes. Observed: 1 variant allele.
Comment: GABRA1: BS1

Illumina Laboratory Services, Illumina
Classification: Uncertain significance for Epilepsy, idiopathic generalized, susceptibility to, 13. Last evaluated: 2018-01-12. Review status: criteria provided, single submitter. Criteria: ICSL Variant Classification Criteria 13 December 2019. Collection method: clinical testing. Allele origin: germline.